The following is an entry in ClinVar:

NM_001365276.2(TNXB):c.4148C>T (p.Ser1383Phe)

Gene: TNXB (tenascin XB; minus strand). Cytogenetic location: 6p21.33.
Variant type: single nucleotide variant.
Coding change: c.4148C>T on transcript NM_001365276.2 (MANE Select); coding-DNA position 4148, C replaced by T.
Protein change: p.Ser1383Phe; replaces serine 1383 with phenylalanine.
Molecular consequence: missense variant.
Genome position (GRCh38, 1-based): chr6:32,079,260, G>A on the plus strand (C>T on the coding strand, the complement: TNXB is on the minus strand). VCF-style: chr6-32079260-G-A. GRCh37 (hg19) VCF-style: chr6-32047037-G-A.
Other names: c.4889C>T, p.Ser1630Phe (NM_001428335.1); c.4148C>T, p.Ser1383Phe (NM_019105.8); short protein forms S1383F, S1630F.
Identifiers: ClinVar variation 3971982 (VCV003971982.1).

ClinVar aggregate classification (germline): Uncertain significance (1 of 4 stars; one submission).

Conditions:
Cardiovascular phenotype. Identifiers: MedGen CN230736.

gnomAD v4.1: 1 of 1,613,560 alleles (0.000062%); highest among the groups gnomAD compares: Non-Finnish European, 0.000085%; no homozygotes.

Submission:

Ambry Genetics
Classification: Uncertain significance for Cardiovascular phenotype. Last evaluated: 2025-03-25. Review status: criteria provided, single submitter. Criteria: Ambry Variant Classification Scheme 2023. Collection method: clinical testing. Allele origin: germline.
Comment: The p.S1383F variant (also known as c.4148C>T), located in coding exon 10 of the TNXB gene, results from a C to T substitution at nucleotide position 4148. The serine at codon 1383 is replaced by phenylalanine, an amino acid with highly dissimilar properties. This amino acid position is conserved. In addition, this alteration is predicted to be tolerated by in silico analysis. Based on the available evidence, the clinical significance of this variant remains unclear.